The following is an entry in ClinVar:

ClinVar aggregate classification (germline): Benign. Review status: criteria provided, single submitter (1 of 4 stars). 2 submissions from 2 submitters: Benign (1). 1 of the submissions does not count toward it. Last evaluated 2025-08-18.

Conditions:
IGSF10-related disorder. Also called: IGSF10-related condition.

Allele frequency attached by ClinVar (database versions not stated): gnomAD exomes 0.00052; ExAC 0.00189; gnomAD 0.00575; 1000 Genomes Project 0.00739; 1000 Genomes Project 30x 0.00781; TOPMed 0.00644; ESP Exome Variant Server 0.00761.
gnomAD v4.1: 1,666 of 1,614,182 alleles (0.1%); highest among the groups gnomAD compares: African/African-American, 1.9%; 15 homozygotes.

Submissions (2):

Labcorp Genetics (formerly Invitae), Labcorp
Classification: Benign. Last evaluated: 2025-08-18. Review status: criteria provided, single submitter. Criteria: Invitae Variant Classification Sherloc (09022015). Collection method: clinical testing. Allele origin: germline.

PreventionGenetics, part of Exact Sciences
Classification: Likely benign for IGSF10-related condition. Last evaluated: 2019-04-26. Review status: no assertion criteria provided. Collection method: clinical testing. Allele origin: germline. Not counted in ClinVar's aggregate classification.
Comment: This variant is classified as likely benign based on ACMG/AMP sequence variant interpretation guidelines (Richards et al. 2015 PMID: 25741868, with internal and published modifications).

NM_178822.5(IGSF10):c.2663A>C (p.Gln888Pro)

Gene: IGSF10 (immunoglobulin superfamily member 10; minus strand). Cytogenetic location: 3q25.1.
Variant type: single nucleotide variant.
Coding change: c.2663A>C on transcript NM_178822.5 (MANE Select); coding-DNA position 2663, A replaced by C.
Protein change: p.Gln888Pro; replaces glutamine 888 with proline.
Molecular consequence: missense variant.
Genome position (GRCh38, 1-based): chr3:151,447,318, T>G on the plus strand (A>C on the coding strand, the complement: IGSF10 is on the minus strand). VCF-style: chr3-151447318-T-G. GRCh37 (hg19) VCF-style: chr3-151165106-T-G.
Other names: c.2663A>C (NM_178822.4); c.2663A>C, p.Gln888Pro (NM_001385060.1, NM_001385061.1, NM_001385062.1 and 1 more transcripts); short protein forms Q888P.
Identifiers: ClinVar variation 2115239 (VCV002115239.6), dbSNP rs35491609, ClinGen allele CA2670311.